The following is an entry in ClinVar:

NM_004341.5(CAD):c.4613C>T (p.Ser1538Leu)

Gene: CAD (carbamoyl-phosphate synthetase 2, aspartate transcarbamylase, and dihydroorotase; plus strand). Cytogenetic location: 2p23.3.
Variant type: single nucleotide variant.
Coding change: c.4613C>T on transcript NM_004341.5 (MANE Select); coding-DNA position 4613, C replaced by T.
Protein change: p.Ser1538Leu; replaces serine 1538 with leucine.
Molecular consequence: missense variant.
Genome position (GRCh38, 1-based): chr2:27,237,767, C>T. VCF-style: chr2-27237767-C-T. GRCh37 (hg19) VCF-style: chr2-27460635-C-T.
Other names: c.4424C>T, p.Ser1475Leu (NM_001306079.2); short protein forms S1475L, S1538L.
Identifiers: ClinVar variation 1701375 (VCV001701375.33), dbSNP rs1178918865, ClinGen allele CA346220998.

ClinVar aggregate classification (germline): Conflicting classifications of pathogenicity. Review status: criteria provided, conflicting classifications (1 of 4 stars). 2 submissions from 2 submitters: Likely pathogenic (1); Uncertain significance (1). Last evaluated 2025-04-02.

Allele frequency attached by ClinVar (database versions not stated): gnomAD exomes below 0.00001; gnomAD 0.00001; TOPMed 0.00001.
gnomAD v4.1: 8 of 1,614,074 alleles (0.0005%); highest among the groups gnomAD compares: Non-Finnish European, 0.00068%; no homozygotes.

Submissions (2):

Women's Health and Genetics/Laboratory Corporation of America, LabCorp
Classification: Uncertain significance. Last evaluated: 2025-04-02. Review status: criteria provided, single submitter. Criteria: LabCorp Variant Classification Summary - May 2015. Collection method: clinical testing. Allele origin: germline.
Comment: Variant summary: CAD c.4613C>T (p.Ser1538Leu) results in a non-conservative amino acid change in the encoded protein sequence. Three of five in-silico tools predict a damaging effect of the variant on protein function. The variant allele was found at a frequency of 4e-06 in 251334 control chromosomes. c.4613C>T has been reported in the literature in one individual affected with CAD deficiency (Cano-Ochoa_2023). These data do not allow any conclusion about variant significance. At least one publication reports experimental evidence evaluating an impact on protein function. The most pronounced variant effect results in compromised rescuing ability (30% of normal WT) (Cano-Ochoa_2023). The following publication has been ascertained in the context of this evaluation (PMID: 37540500). ClinVar contains an entry for this variant (Variation ID: 1701375). Based on the evidence outlined above, the variant was classified as VUS-possibly pathogenic.

CeGaT Center for Human Genetics Tuebingen
Classification: Likely pathogenic. Last evaluated: 2023-03-01. Review status: criteria provided, single submitter. Criteria: CeGaT Center For Human Genetics Tuebingen Variant Classification Criteria Version 2. Collection method: clinical testing. Allele origin: germline. Affected: yes. Observed: 1 variant allele.
Comment: CAD: PM2, PM3, PS3:Moderate

Literature cited by the submitters: PubMed 37540500 (cited by Women's Health and Genetics/Laboratory Corporation of America, LabCorp).